The following is an entry in ClinVar:

NM_006922.4(SCN3A):c.1175C>T (p.Thr392Ile)

Gene: SCN3A (sodium voltage-gated channel alpha subunit 3; minus strand). Cytogenetic location: 2q24.3.
Variant type: single nucleotide variant.
Coding change: c.1175C>T on transcript NM_006922.4 (MANE Select); coding-DNA position 1175, C replaced by T.
Protein change: p.Thr392Ile; replaces threonine 392 with isoleucine.
Molecular consequence: missense variant.
Genome position (GRCh38, 1-based): chr2:165,154,657, G>A on the plus strand (C>T on the coding strand, the complement: SCN3A is on the minus strand). VCF-style: chr2-165154657-G-A. GRCh37 (hg19) VCF-style: chr2-166011167-G-A.
Other names: c.1175C>T, p.Thr392Ile (NM_001081676.2, NM_001081677.2); short protein forms T392I.
Identifiers: ClinVar variation 3718587 (VCV003718587.2).

ClinVar aggregate classification (germline): Uncertain significance (1 of 4 stars; one submission).

gnomAD v4.1: 2 of 1,612,698 alleles (0.00012%); highest among the groups gnomAD compares: Non-Finnish European, 0.00017%; no homozygotes.

Submission:

Labcorp Genetics (formerly Invitae), Labcorp
Classification: Uncertain significance. Last evaluated: 2024-10-10. Review status: criteria provided, single submitter. Criteria: Invitae Variant Classification Sherloc (09022015). Collection method: clinical testing. Allele origin: germline.
Comment: This sequence change replaces threonine, which is neutral and polar, with isoleucine, which is neutral and non-polar, at codon 392 of the SCN3A protein (p.Thr392Ile). This variant is present in population databases (rs754881520, gnomAD 0.003%). This variant has not been reported in the literature in individuals affected with SCN3A-related conditions. An algorithm developed to predict the effect of missense changes on protein structure and function (PolyPhen-2) suggests that this variant is likely to be disruptive. In summary, the available evidence is currently insufficient to determine the role of this variant in disease. Therefore, it has been classified as a Variant of Uncertain Significance.